The following is an entry in ClinVar:

ClinVar aggregate classification (germline): Pathogenic. Review status: reviewed by expert panel (3 of 4 stars). 11 submissions from 11 submitters: Pathogenic (1). 10 of the submissions do not count toward it. Last evaluated 2016-09-08.

Conditions:
Hereditary cancer-predisposing syndrome. Also called: Neoplastic Syndromes, Hereditary; Tumor predisposition; Hereditary Cancer Syndrome; Hereditary neoplastic syndrome. Identifiers: Orphanet 140162, MedGen C0027672, MeSH D009386, MONDO:0015356.
Hereditary breast ovarian cancer syndrome. Also called: Hereditary breast and/or ovarian cancer syndrome; Hereditary breast and ovarian cancer syndrome; Hereditary breast and ovarian cancer; Hereditary breast and ovarian cancer syndrome (HBOC); Breast and ovarian cancer; BRCA1- and BRCA2-Associated Hereditary Breast and Ovarian Cancer. Identifiers: Orphanet 145, MedGen C0677776, MeSH D061325, MONDO:0003582. Disease mechanism: loss of function.
Breast-ovarian cancer, familial, susceptibility to, 1 (BROVCA1). Also called: OVARIAN CANCER, SUSCEPTIBILITY TO; BRCA1 Hereditary Breast and Ovarian Cancer. Identifiers: Orphanet 145, MedGen C2676676, MONDO:0011450, OMIM 604370. Disease mechanism: loss of function.

Allele frequency attached by ClinVar (database versions not stated): gnomAD exomes below 0.00001.
gnomAD v4.1: 1 of 1,614,054 alleles (0.000062%); highest among the groups gnomAD compares: Non-Finnish European, 0.000085%; no homozygotes.

Submissions (12):

Evidence-based Network for the Interpretation of Germline Mutant Alleles (ENIGMA)
Classification: Pathogenic for Breast-ovarian cancer, familial, susceptibility to, 1. Last evaluated: 2016-09-08. Review status: reviewed by expert panel. Criteria: ENIGMA BRCA1/2 Classification Criteria (2015). Collection method: curation. Allele origin: germline.
Comment: Variant allele predicted to encode a truncated non-functional protein.

Women's Health and Genetics/Laboratory Corporation of America, LabCorp
Classification: Pathogenic for Hereditary breast ovarian cancer syndrome. Last evaluated: 2024-07-02. Review status: criteria provided, single submitter. Criteria: LabCorp Variant Classification Summary - May 2015. Collection method: clinical testing. Allele origin: germline. Not counted in ClinVar's aggregate classification.
Comment: Variant summary: BRCA1 c.5239C>T (p.Gln1747X) results in a premature termination codon, predicted to cause a truncation of the encoded protein or absence of the protein due to nonsense mediated decay, which are commonly known mechanisms for disease. The variant was absent in 251492 control chromosomes. c.5239C>T has been reported in the literature in individuals affected with Hereditary Breast And Ovarian Cancer Syndrome (e.g. Judkins_2005, Guo_2016, Neveling_2017). These data indicate that the variant may be associated with disease. To our knowledge, no experimental evidence demonstrating an impact on protein function has been reported. The following publications have been ascertained in the context of this evaluation (PMID: 16267036, 19370767, 27974384). ClinVar contains an entry for this variant (Variation ID: 55473). Based on the evidence outlined above, the variant was classified as pathogenic.

Labcorp Genetics (formerly Invitae), Labcorp
Classification: Pathogenic for Hereditary breast ovarian cancer syndrome. Last evaluated: 2023-12-13. Review status: criteria provided, single submitter. Criteria: Invitae Variant Classification Sherloc (09022015). Collection method: clinical testing. Allele origin: germline. Not counted in ClinVar's aggregate classification.
Comment: This sequence change creates a premature translational stop signal (p.Gln1747*) in the BRCA1 gene. It is expected to result in an absent or disrupted protein product. Loss-of-function variants in BRCA1 are known to be pathogenic (PMID: 20104584). This variant is not present in population databases (gnomAD no frequency). This variant has not been reported in the literature in individuals affected with BRCA1-related conditions. ClinVar contains an entry for this variant (Variation ID: 55473). For these reasons, this variant has been classified as Pathogenic.

Color Diagnostics, LLC DBA Color Health
Classification: Pathogenic for Hereditary cancer-predisposing syndrome. Last evaluated: 2021-04-12. Review status: criteria provided, single submitter. Criteria: ACMG Guidelines, 2015. Collection method: clinical testing. Allele origin: germline. Not counted in ClinVar's aggregate classification.
Comment: This variant changes 1 nucleotide in exon 19 of the BRCA1 gene, creating a premature translation stop signal. This variant is expected to result in an absent or non-functional protein product. This variant has been reported in individuals affected with breast and/or ovarian cancer (PMID: 30972954, 32438681; Color internal data). This variant has not been identified in the general population by the Genome Aggregation Database (gnomAD). Loss of BRCA1 function is a known mechanism of disease. Based on the available evidence, this variant is classified as Pathogenic.

Consortium of Investigators of Modifiers of BRCA1/2 (CIMBA), c/o University of Cambridge
Classification: Pathogenic for Breast-ovarian cancer, familial, susceptibility to, 1. Last evaluated: 2015-10-02. Review status: criteria provided, single submitter. Criteria: CIMBA Mutation Classification guidelines May 2016. Collection method: clinical testing. Allele origin: germline. Not counted in ClinVar's aggregate classification.

Clinical Genetics DNA and cytogenetics Diagnostics Lab, Erasmus MC, Erasmus Medical Center
Classification: Pathogenic for Breast-ovarian cancer, familial, susceptibility to, 1. Last evaluated: 2015-09-21. Review status: criteria provided, single submitter. Criteria: ACGS Guidelines, 2013. Collection method: clinical testing. Allele origin: germline. Affected: yes. Study: VKGL Data-share Consensus. Not counted in ClinVar's aggregate classification.

Juno Genomics, Hangzhou Juno Genomics, Inc
Classification: Pathogenic for Breast-ovarian cancer, familial, susceptibility to, 1. Review status: criteria provided, single submitter. Criteria: ACMG Guidelines, 2015. Collection method: clinical testing. Allele origin: germline. Not counted in ClinVar's aggregate classification.
Comment: Absent from controls (or at extremely low frequency if recessive) in Genome Aggregation Database.;Null variant in a gene where loss of function (LOF) is a known mechanism of disease.;Novel missense change at an amino acid residue where a different missense change determined to be pathogenic has been seen before.

Breast Cancer Information Core (BIC) (BRCA1)
Classification: Pathogenic for Breast-ovarian cancer, familial 1. Last evaluated: 2004-02-20. Review status: no assertion criteria provided. Collection method: clinical testing. Allele origin: germline. Affected: yes. Observed: 4 variant alleles. Not counted in ClinVar's aggregate classification.

Brotman Baty Institute, University of Washington
No classification provided (evidence only). Condition: Breast-ovarian cancer, familial 1. Review status: no classification provided. Collection method: in vitro. Allele origin: not applicable. Functional consequence: functionally_abnormal. Not counted in ClinVar's aggregate classification.
ClinVar note: "not provided" was previously submitted as the classification for the variant. However, the classification appeared to be based only on an observation of functional data so it was converted to no classification on 2025-07-30.

Department of Pathology and Laboratory Medicine, Sinai Health System
Classification: Pathogenic. Review status: no assertion criteria provided. Collection method: clinical testing. Allele origin: unknown. Affected: yes. Study: The Canadian Open Genetics Repository (COGR). Not counted in ClinVar's aggregate classification.
Comment: The BRCA1 p.Gln1747X variant was not identified in the literature nor was it identified in the GeneInSight-COGR, Cosmic, MutDB, LOVD 3.0, UMD-LSDB, ARUP Laboratories, Zhejiang Colon Cancer Database, the 1000 Genomes Project, the NHLBI GO Exome Sequencing Project, the Exome Aggregation Consortium (August 8th 2016), or the Genome Aggregation Database (Feb 27, 2017). The variant was identified in dbSNP (ID: rs80357367) â€šÃ„ÃºWith Pathogenic alleleâ€šÃ„Ã¹, ClinVar (classified pathogenic, reviewed by an expert panel (2016); submitters: pathogenic by ENIGMA, CIMBA and BIC, classification not provided by Invitae), Clinvitae (1X), and BIC Database (4x with clinical importance, class 5 pathogenic). The c.5239C>T variant leads to a premature stop codon at position 1747 which is predicted to lead to a truncated or absent protein and loss of function. Loss of function variants of the BRCA1 gene are an established mechanism of disease in hereditary breast and ovarian cancer and is the type of variant expected to cause the disorder. In summary, based on the above information this variant meets our laboratory's criteria to be classified as pathogenic.

Diagnostic Laboratory, Department of Genetics, University Medical Center Groningen
Classification: Pathogenic for Breast-ovarian cancer, familial, susceptibility to, 1. Review status: no assertion criteria provided. Collection method: clinical testing. Allele origin: germline. Affected: yes. Study: VKGL Data-share Consensus. Not counted in ClinVar's aggregate classification.

Joint Genome Diagnostic Labs from Nijmegen and Maastricht, Radboudumc and MUMC+
Classification: Pathogenic. Review status: no assertion criteria provided. Collection method: clinical testing. Allele origin: germline. Affected: yes. Study: VKGL Data-share Consensus. Not counted in ClinVar's aggregate classification.

Literature cited by the submitters: PubMed 16267036 (cited by Women's Health and Genetics/Laboratory Corporation of America, LabCorp); PubMed 19370767 (cited by Women's Health and Genetics/Laboratory Corporation of America, LabCorp); PubMed 27974384 (cited by Women's Health and Genetics/Laboratory Corporation of America, LabCorp); PubMed 20104584 (cited by Labcorp Genetics (formerly Invitae), Labcorp).

NM_007294.4(BRCA1):c.5239C>T (p.Gln1747Ter)

Gene: BRCA1 (BRCA1 DNA repair associated; minus strand). Cytogenetic location: 17q21.31.
Variant type: single nucleotide variant.
Coding change: c.5239C>T on transcript NM_007294.4 (MANE Select); coding-DNA position 5239, C replaced by T.
Protein change: p.Gln1747Ter; replaces glutamine 1747 with a stop codon.
Molecular consequence: nonsense. On other transcripts: non-coding transcript variant (1).
Genome position (GRCh38, 1-based): chr17:43,057,090, G>A on the plus strand (C>T on the coding strand, the complement: BRCA1 is on the minus strand). VCF-style: chr17-43057090-G-A. GRCh37 (hg19) VCF-style: chr17-41209107-G-A.
Other names: c.5026C>T, p.Gln1676Ter (NM_001407571.1, NM_001407894.1, NM_001407895.1 and 12 more transcripts); c.5305C>T, p.Gln1769Ter (NM_001407581.1, NM_001407582.1); c.5302C>T, p.Gln1768Ter (NM_001407583.1, NM_001407585.1, NM_001407587.1 and 1 more transcripts); c.5299C>T, p.Gln1767Ter (NM_001407590.1, NM_001407591.1); c.5239C>T, p.Gln1747Ter (NM_001407593.1, NM_001407594.1, NM_001407596.1 and 7 more transcripts); c.5236C>T, p.Gln1746Ter (NM_001407620.1, NM_001407621.1, NM_001407622.1 and 17 more transcripts); c.5233C>T, p.Gln1745Ter (NM_001407627.1, NM_001407628.1, NM_001407639.1 and 14 more transcripts); c.5230C>T, p.Gln1744Ter (NM_001407644.1, NM_001407645.1); and 72 more; short protein forms Q1747*, Q1768*, Q1700*, Q643*, Q1578*, Q1657*, Q1659*, Q1677*.
Identifiers: ClinVar variation 55473 (VCV000055473.26), dbSNP rs80357367, ClinGen allele CA003379.
Genomic context (GRCh38, chr17:43,057,090, plus strand): 5'-AACTTGAGGGAGGGAGCTTTACCTTTCTGTCCTGGGATTCTCTTGCTCGCTTTGGACCTT[G>A]GTGGTTTCTTCCATTGACCACATCTCCTCTGACTTCAAAATCATGCTGAAAGAAACCAAA-3'